The following is an entry in ClinVar:

NM_021930.6(RINT1):c.209C>T (p.Ser70Phe)

Gene: RINT1 (RAD50 interactor 1; plus strand). Cytogenetic location: 7q22.3.
Variant type: single nucleotide variant.
Coding change: c.209C>T on transcript NM_021930.6 (MANE Select); coding-DNA position 209, C replaced by T.
Protein change: p.Ser70Phe; replaces serine 70 with phenylalanine.
Molecular consequence: missense variant. On other transcripts: 5 prime UTR variant (3), non-coding transcript variant (1), intron variant (1).
Genome position (GRCh38, 1-based): chr7:105,536,685, C>T. VCF-style: chr7-105536685-C-T. GRCh37 (hg19) VCF-style: chr7-105177132-C-T.
Other names: c.-811C>T (NM_001346600.2); c.-714C>T (NM_001346601.2); c.-334C>T (NM_001346603.2); c.39+73C>T (NM_001346599.2); short protein forms S70F.
Identifiers: ClinVar variation 3227633 (VCV003227633.1), dbSNP rs2485100067, ClinGen allele CA368800472.

ClinVar aggregate classification (germline): Uncertain significance (1 of 4 stars; one submission).

Submission:

Ambry Genetics
Classification: Uncertain significance. Last evaluated: 2023-10-10. Review status: criteria provided, single submitter. Criteria: Ambry Variant Classification Scheme 2023. Collection method: clinical testing. Allele origin: germline.
Comment: The p.S70F variant (also known as c.209C>T), located in coding exon 3 of the RINT1 gene, results from a C to T substitution at nucleotide position 209. The serine at codon 70 is replaced by phenylalanine, an amino acid with highly dissimilar properties. This amino acid position is conserved. In addition, the in silico prediction for this alteration is inconclusive. Since supporting evidence is limited at this time, the clinical significance of this alteration remains unclear.